The following is an entry in ClinVar:

NM_001005361.3(DNM2):c.2209G>A (p.Gly737Ser)

Gene: DNM2 (dynamin 2; plus strand). Cytogenetic location: 19p13.2.
Variant type: single nucleotide variant.
Coding change: c.2209G>A on transcript NM_001005361.3 (MANE Select); coding-DNA position 2209, G replaced by A.
Protein change: p.Gly737Ser; replaces glycine 737 with serine.
Molecular consequence: missense variant.
Genome position (GRCh38, 1-based): chr19:10,829,186, G>A. VCF-style: chr19-10829186-G-A. GRCh37 (hg19) VCF-style: chr19-10939862-G-A.
Other names: c.2209G>A, p.Gly737Ser (NM_001005360.3, NM_001190716.2); c.2197G>A, p.Gly733Ser (NM_001005362.3, NM_004945.4); short protein forms G733S, G737S.
Identifiers: ClinVar variation 1492890 (VCV001492890.6), dbSNP rs774897265, ClinGen allele CA9201547.
Genomic context (GRCh38, chr19:10,829,186, plus strand): 5'-CAGCGGCGGGACGACATGCTGCGCATGTACCATGCCCTCAAGGAGGCGCTCAACATCATC[G>A]GTGACATCAGCACCAGCACTGTGTCCACGCCTGTACCCCCGCCTGTCGATGACACCTGGC-3'
Protein context (NP_001005361.1, residues 727-747): HALKEALNII[Gly737Ser]DISTSTVSTP

ClinVar aggregate classification (germline): Uncertain significance (1 of 4 stars; one submission).

Conditions:
Charcot-Marie-Tooth disease dominant intermediate B (CMTDIB). Also called: Charcot-Marie-Tooth disease dominant intermediate 1; CMT DI1; Charcot-Marie-Tooth disease dominant intermediate I; CHARCOT-MARIE-TOOTH NEUROPATHY, DOMINANT INTERMEDIATE B. Identifiers: Orphanet 100044, Orphanet 228179, MedGen C1847902, MONDO:0011674, OMIM 606482.

Allele frequency attached by ClinVar (database versions not stated): gnomAD 0.00001; ExAC 0.00002; gnomAD exomes 0.00002.
gnomAD v4.1: 11 of 1,613,896 alleles (0.00068%); highest among the groups gnomAD compares: African/African-American, 0.0027%; no homozygotes.

Submission:

Labcorp Genetics (formerly Invitae), Labcorp
Classification: Uncertain significance for Charcot-Marie-Tooth disease dominant intermediate B. Last evaluated: 2021-10-05. Review status: criteria provided, single submitter. Criteria: Invitae Variant Classification Sherloc (09022015). Collection method: clinical testing. Allele origin: germline.
Comment: In summary, the available evidence is currently insufficient to determine the role of this variant in disease. Therefore, it has been classified as a Variant of Uncertain Significance. Advanced modeling of protein sequence and biophysical properties (such as structural, functional, and spatial information, amino acid conservation, physicochemical variation, residue mobility, and thermodynamic stability) performed at Invitae indicates that this missense variant is expected to disrupt DNM2 protein function. This variant has not been reported in the literature in individuals affected with DNM2-related conditions. This variant is present in population databases (rs774897265, ExAC 0.01%). This sequence change replaces glycine with serine at codon 737 of the DNM2 protein (p.Gly737Ser). The glycine residue is moderately conserved and there is a small physicochemical difference between glycine and serine.